The following is an entry in ClinVar:

ClinVar aggregate classification (germline): Benign/Likely benign. Review status: criteria provided, multiple submitters, no conflicts (2 of 4 stars). 5 submissions from 5 submitters: Benign (1); Likely benign (3). 1 of the submissions does not count toward it. Last evaluated 2025-11-10.

Conditions:
Hereditary cancer-predisposing syndrome. Also called: Tumor predisposition; Hereditary Cancer Syndrome; Neoplastic Syndromes, Hereditary; Hereditary neoplastic syndrome. Identifiers: Orphanet 140162, MedGen C0027672, MeSH D009386, MONDO:0015356.
Familial cancer of breast. Also called: Hereditary breast cancer; hereditary breast carcinoma; BREAST CANCER, FAMILIAL. Identifiers: Orphanet 227535, MedGen C0346153, MONDO:0016419, OMIM 114480. Disease mechanism: loss of function.
Ataxia-telangiectasia syndrome (AT). Also called: Cerebello-oculocutaneous telangiectasia; Immunodeficiency with ataxia telangiectasia; Ataxia-telangiectasia, complementation group D; AT, COMPLEMENTATION GROUP C; Ataxia-telangiectasia, complementation group E; LOUIS-BAR SYNDROME. Identifiers: Orphanet 100, MedGen C0004135, MONDO:0008840, OMIM 208900.

gnomAD v4.1: 4 of 1,613,830 alleles (0.00025%); highest among the groups gnomAD compares: Non-Finnish European, 0.00034%; no homozygotes.

Submissions (5):

Labcorp Genetics (formerly Invitae), Labcorp
Classification: Likely benign for Ataxia-telangiectasia syndrome. Last evaluated: 2025-11-10. Review status: criteria provided, single submitter. Criteria: Invitae Variant Classification Sherloc (09022015). Collection method: clinical testing. Allele origin: germline.

Myriad Genetics, Inc.
Classification: Benign for Familial cancer of breast. Last evaluated: 2024-05-22. Review status: criteria provided, single submitter. Criteria: Myriad Autosomal Dominant, Autosomal Recessive and X-Linked Classification Criteria (2023). Collection method: clinical testing. Allele origin: unknown.
Comment: This variant is considered benign. This variant is a silent/synonymous amino acid change and it is not expected to impact splicing.

Ambry Genetics
Classification: Likely benign for Hereditary cancer-predisposing syndrome. Last evaluated: 2018-12-06. Review status: criteria provided, single submitter. Criteria: Ambry Variant Classification Scheme 2023. Collection method: clinical testing. Allele origin: germline.

Color Diagnostics, LLC DBA Color Health
Classification: Likely benign for Hereditary cancer-predisposing syndrome. Last evaluated: 2016-09-20. Review status: criteria provided, single submitter. Criteria: ACMG Guidelines, 2015. Collection method: clinical testing. Allele origin: germline.

Department of Pathology and Laboratory Medicine, Sinai Health System
Classification: Likely benign. Review status: no assertion criteria provided. Collection method: clinical testing. Allele origin: unknown. Affected: yes. Study: The Canadian Open Genetics Repository (COGR). Not counted in ClinVar's aggregate classification.
Comment: The ATM p.Val1678= variant was not identified in the literature nor was it identified in the dbSNP or LOVD 3.0 databases. The variant was identified in ClinVar (classified as likely benign by Invitae and Color). The variant was not identified in the following control databases: the Exome Aggregation Consortium (August 8th 2016) or the Genome Aggregation Database (Feb 27, 2017). The p.Val1678= variant is not expected to have clinical significance because it does not result in a change of amino acid and is not located in a known consensus splice site. In addition, the variant occurs outside of the splicing consensus sequence and in silico or computational prediction software programs (SpliceSiteFinder, MaxEntScan, NNSPLICE, GeneSplicer) do not predict a difference in splicing; this is not very predictive of pathogenicity. In summary, based on the above information, the clinical significance of this variant cannot be determined with certainty at this time although we would lean towards a more benign role for this variant. This variant is classified as likely benign.

NM_000051.4(ATM):c.5034G>C (p.Val1678=)

Gene: ATM (ATM serine/threonine kinase; plus strand). Cytogenetic location: 11q22.3.
Variant type: single nucleotide variant.
Coding change: c.5034G>C on transcript NM_000051.4 (MANE Select); coding-DNA position 5034, G replaced by C.
Protein change: p.Val1678=; no amino-acid change (valine 1678 retained).
Molecular consequence: synonymous variant.
Genome position (GRCh38, 1-based): chr11:108,299,742, G>C. VCF-style: chr11-108299742-G-C. GRCh37 (hg19) VCF-style: chr11-108170469-G-C.
Other names: c.5034G>C, p.Val1678= (NM_001351834.2).
Identifiers: ClinVar variation 453556 (VCV000453556.20), dbSNP rs1555104548, ClinGen allele CA476674665.